The following is an entry in ClinVar:

ClinVar aggregate classification (germline): Uncertain significance (1 of 4 stars; one submission).

Conditions:
Long QT syndrome (LQTS). Identifiers: MedGen C0023976, MeSH D008133, MONDO:0002442. Disease mechanism: loss of function. Inheritance: Various modes of inheritance.

Submission:

Labcorp Genetics (formerly Invitae), Labcorp
Classification: Uncertain significance for Long QT syndrome. Last evaluated: 2023-11-08. Review status: criteria provided, single submitter. Criteria: Invitae Variant Classification Sherloc (09022015). Collection method: clinical testing. Allele origin: germline.
Comment: This sequence change replaces aspartic acid, which is acidic and polar, with tyrosine, which is neutral and polar, at codon 301 of the KCNQ1 protein (p.Asp301Tyr). This variant is not present in population databases (gnomAD no frequency). This variant has not been reported in the literature in individuals affected with KCNQ1-related conditions. Advanced modeling of protein sequence and biophysical properties (such as structural, functional, and spatial information, amino acid conservation, physicochemical variation, residue mobility, and thermodynamic stability) performed at Invitae indicates that this missense variant is expected to disrupt KCNQ1 protein function with a positive predictive value of 95%. In summary, the available evidence is currently insufficient to determine the role of this variant in disease. Therefore, it has been classified as a Variant of Uncertain Significance.

NM_000218.3(KCNQ1):c.901G>T (p.Asp301Tyr)

Gene: KCNQ1 (potassium voltage-gated channel subfamily Q member 1; plus strand). Cytogenetic location: 11p15.5.
Variant type: single nucleotide variant.
Coding change: c.901G>T on transcript NM_000218.3 (MANE Select); coding-DNA position 901, G replaced by T.
Protein change: p.Asp301Tyr; replaces aspartic acid 301 with tyrosine.
Molecular consequence: missense variant. On other transcripts: intron variant (1).
Genome position (GRCh38, 1-based): chr11:2,572,966, G>T. VCF-style: chr11-2572966-G-T. GRCh37 (hg19) VCF-style: chr11-2594196-G-T.
Other names: c.901G>T, p.Asp301Tyr (NM_001406836.1); c.631G>T, p.Asp211Tyr (NM_001406837.1); c.520G>T, p.Asp174Tyr (NM_181798.2); c.478-10469G>T (NM_001406838.1); short protein forms D211Y, D174Y, D301Y.
Identifiers: ClinVar variation 2694299 (VCV002694299.3), dbSNP rs2493674284, ClinGen allele CA379131713.
Genomic context (GRCh38, chr11:2,572,966, plus strand): 5'-TACCTGGCTGAGAAGGACGCGGTGAACGAGTCAGGCCGCGTGGAGTTCGGCAGCTACGCA[G>T]ATGCGCTGTGGTGGGGGGTGGTAAGTCGGAAACTTCCAGGCATGGGGACAGGGGCAGCTC-3'
Protein context (NP_000209.2, residues 291-311): SGRVEFGSYA[Asp301Tyr]ALWWGVVTVT